The following is an entry in ClinVar:

NM_032634.4(PIGO):c.1512T>G (p.Ile504Met)

Gene: PIGO (phosphatidylinositol glycan anchor biosynthesis class O; minus strand). Cytogenetic location: 9p13.3.
Variant type: single nucleotide variant.
Coding change: c.1512T>G on transcript NM_032634.4 (MANE Select); coding-DNA position 1512, T replaced by G.
Protein change: p.Ile504Met; replaces isoleucine 504 with methionine.
Molecular consequence: missense variant. On other transcripts: intron variant (2).
Genome position (GRCh38, 1-based): chr9:35,092,375, A>C on the plus strand (T>G on the coding strand, the complement: PIGO is on the minus strand). VCF-style: chr9-35092375-A-C. GRCh37 (hg19) VCF-style: chr9-35092372-A-C.
Other names: c.1344+168T>G (NM_152850.4, NM_001201484.2); short protein forms I504M.
Identifiers: ClinVar variation 3720722 (VCV003720722.2).

ClinVar aggregate classification (germline): Uncertain significance (1 of 4 stars; one submission).

Conditions:
Hyperphosphatasia with impaired intellectual development syndrome 2. Also called: GLYCOSYLPHOSPHATIDYLINOSITOL BIOSYNTHESIS DEFECT 6; Hyperphosphatasia with intellectual disability syndrome 2. Identifiers: Orphanet 247262, MedGen C3553637, MONDO:0013882, OMIM 614749.

Submission:

Labcorp Genetics (formerly Invitae), Labcorp
Classification: Uncertain significance for Hyperphosphatasia with impaired intellectual development syndrome 2. Last evaluated: 2024-11-02. Review status: criteria provided, single submitter. Criteria: Invitae Variant Classification Sherloc (09022015). Collection method: clinical testing. Allele origin: germline.
Comment: This sequence change replaces isoleucine, which is neutral and non-polar, with methionine, which is neutral and non-polar, at codon 504 of the PIGO protein (p.Ile504Met). This variant is not present in population databases (gnomAD no frequency). This variant has not been reported in the literature in individuals affected with PIGO-related conditions. Invitae Evidence Modeling of protein sequence and biophysical properties (such as structural, functional, and spatial information, amino acid conservation, physicochemical variation, residue mobility, and thermodynamic stability) indicates that this missense variant is not expected to disrupt PIGO protein function with a negative predictive value of 95%. In summary, the available evidence is currently insufficient to determine the role of this variant in disease. Therefore, it has been classified as a Variant of Uncertain Significance.